The following is an entry in ClinVar:

NM_002860.4(ALDH18A1):c.957G>C (p.Leu319Phe)

Gene: ALDH18A1 (aldehyde dehydrogenase 18 family member A1; minus strand). Cytogenetic location: 10q24.1.
Variant type: single nucleotide variant.
Coding change: c.957G>C on transcript NM_002860.4 (MANE Select); coding-DNA position 957, G replaced by C.
Protein change: p.Leu319Phe; replaces leucine 319 with phenylalanine.
Molecular consequence: missense variant.
Genome position (GRCh38, 1-based): chr10:95,627,563, C>G on the plus strand (G>C on the coding strand, the complement: ALDH18A1 is on the minus strand). VCF-style: chr10-95627563-C-G. GRCh37 (hg19) VCF-style: chr10-97387320-C-G.
Other names: c.951G>C, p.Leu317Phe (NM_001017423.2, NM_001323415.2); c.624G>C, p.Leu208Phe (NM_001323412.2, NM_001323416.2); c.957G>C, p.Leu319Phe (NM_001323413.2, NM_001323414.2); c.852G>C, p.Leu284Phe (NM_001323417.2); c.618G>C, p.Leu206Phe (NM_001323418.2); c.321G>C, p.Leu107Phe (NM_001323419.2); short protein forms L107F, L206F, L208F, L284F, L317F, L319F.
Identifiers: ClinVar variation 3369662 (VCV003369662.1).

ClinVar aggregate classification (germline): Uncertain significance (1 of 4 stars; one submission).

Submission:

GeneDx
Classification: Uncertain significance. Last evaluated: 2024-02-27. Review status: criteria provided, single submitter. Criteria: GeneDx Variant Classification Process June 2021. Collection method: clinical testing. Allele origin: germline. Affected: yes.
Comment: Not observed at significant frequency in large population cohorts (gnomAD); In silico analysis supports that this missense variant does not alter protein structure/function; Has not been previously published as pathogenic or benign to our knowledge